The following is an entry in ClinVar:

ClinVar aggregate classification (germline): Uncertain significance (1 of 4 stars; one submission).

Conditions:
Hereditary cancer-predisposing syndrome. Also called: Neoplastic Syndromes, Hereditary; Tumor predisposition; Hereditary Cancer Syndrome; Hereditary neoplastic syndrome. Identifiers: Orphanet 140162, MedGen C0027672, MeSH D009386, MONDO:0015356.

Submission:

Ambry Genetics
Classification: Uncertain significance for Hereditary cancer-predisposing syndrome. Last evaluated: 2026-04-29. Review status: criteria provided, single submitter. Criteria: Ambry Variant Classification Scheme 2023. Collection method: clinical testing. Allele origin: germline.
Comment: The c.2895_2896delCCinsT variant, located in coding exon 22 of the POLD1 gene, results from the deletion of two nucleotides and insertion of one nucleotide causing a translational frameshift with a predicted alternate stop codon (p.L966Sfs*79). This alteration is expected to result in loss of function by premature protein truncation or nonsense-mediated mRNA decay. However, loss of function has not been established as a mechanism of disease. Based on the available evidence, the clinical significance of this variant remains unclear.

NM_002691.4(POLD1):c.2895_2896delinsT (p.Leu966fs)

Gene: POLD1 (DNA polymerase delta 1, catalytic subunit; plus strand). Cytogenetic location: 19q13.33.
Variant type: Indel.
Coding change: c.2895_2896delinsT on transcript NM_002691.4 (MANE Select); coding-DNA positions 2895 to 2896, CC replaced by T.
Protein change: p.Leu966fs; shifts the reading frame from leucine 966.
Molecular consequence: frameshift variant. On other transcripts: non-coding transcript variant (1).
Genome position (GRCh38, 1-based): chr19:50,416,470-50,416,471, CC replaced by T. VCF-style: chr19-50416470-CC-T. GRCh37 (hg19) VCF-style: chr19-50919727-CC-T.
Other names: c.2895_2896delinsT, p.Leu966fs (NM_001256849.1, NM_001438212.1, NM_001438213.1); c.2973_2974delinsT, p.Leu992fs (NM_001308632.1); c.2823_2824delinsT, p.Leu942fs (NM_001438210.1, NM_001438211.1); short protein forms L942fs, L966fs, L992fs.
Identifiers: ClinVar variation 4862187 (VCV004862187.1).